The following is an entry in ClinVar:

NM_001297.5(CNGB1):c.1330A>G (p.Lys444Glu)

Gene: CNGB1 (cyclic nucleotide gated channel subunit beta 1; minus strand). Cytogenetic location: 16q21.
Variant type: single nucleotide variant.
Coding change: c.1330A>G on transcript NM_001297.5 (MANE Select); coding-DNA position 1330, A replaced by G.
Protein change: p.Lys444Glu; replaces lysine 444 with glutamic acid.
Molecular consequence: missense variant.
Genome position (GRCh38, 1-based): chr16:57,939,472, T>C on the plus strand (A>G on the coding strand, the complement: CNGB1 is on the minus strand). VCF-style: chr16-57939472-T-C. GRCh37 (hg19) VCF-style: chr16-57973376-T-C.
Other names: c.1312A>G, p.Lys438Glu (NM_001286130.2); short protein forms K444E, K438E.
Identifiers: ClinVar variation 942805 (VCV000942805.9), dbSNP rs1961604811, ClinGen allele CA396072600.

ClinVar aggregate classification (germline): Uncertain significance (1 of 4 stars; one submission).

Submission:

Labcorp Genetics (formerly Invitae), Labcorp
Classification: Uncertain significance. Last evaluated: 2022-03-10. Review status: criteria provided, single submitter. Criteria: Invitae Variant Classification Sherloc (09022015). Collection method: clinical testing. Allele origin: germline.
Comment: In summary, the available evidence is currently insufficient to determine the role of this variant in disease. Therefore, it has been classified as a Variant of Uncertain Significance. Advanced modeling of protein sequence and biophysical properties (such as structural, functional, and spatial information, amino acid conservation, physicochemical variation, residue mobility, and thermodynamic stability) performed at Invitae indicates that this missense variant is not expected to disrupt CNGB1 protein function. ClinVar contains an entry for this variant (Variation ID: 942805). This variant has not been reported in the literature in individuals affected with CNGB1-related conditions. This variant is not present in population databases (gnomAD no frequency). This sequence change replaces lysine, which is basic and polar, with glutamic acid, which is acidic and polar, at codon 444 of the CNGB1 protein (p.Lys444Glu).